The following is an entry in ClinVar:

NM_001005242.3(PKP2):c.2332A>G (p.Ile778Val)

Gene: PKP2 (plakophilin 2; minus strand). Cytogenetic location: 12p11.21.
Variant type: single nucleotide variant.
Coding change: c.2332A>G on transcript NM_001005242.3 (MANE Select); coding-DNA position 2332, A replaced by G.
Protein change: p.Ile778Val; replaces isoleucine 778 with valine.
Molecular consequence: missense variant.
Genome position (GRCh38, 1-based): chr12:32,796,134, T>C on the plus strand (A>G on the coding strand, the complement: PKP2 is on the minus strand). VCF-style: chr12-32796134-T-C. GRCh37 (hg19) VCF-style: chr12-32949068-T-C.
Other names: c.2464A>G, p.Ile822Val (NM_004572.4); short protein forms I822V, I778V.
Identifiers: ClinVar variation 188664 (VCV000188664.31), dbSNP rs145324631, ClinGen allele CA012040.
Genomic context (GRCh38, chr12:32,796,134, plus strand): 5'-GGGAGGCAGCTGACGGGCAGAACTGAAGGACTTACGCATCGCCTGCACTAATGGCCATAA[T>C]TTTCTGGATGCCCCCGGTGTTTAGAAGGTCGCGTGCATTCTGGTAACTGTTTTGGATTAT-3'
Protein context (NP_001005242.2, residues 768-788): DLLNTGGIQK[Ile778Val]MAISAGDAYA

ClinVar aggregate classification (germline): Uncertain significance. Review status: criteria provided, multiple submitters, no conflicts (2 of 4 stars). 8 submissions from 8 submitters: Uncertain significance (8). Last evaluated 2026-08-10.

Conditions:
PKP2-related disorder. Also called: PKP2-related condition.
Cardiovascular phenotype. Identifiers: MedGen CN230736.
Cardiomyopathy (CMYO). Also called: Cardiomyopathies. Identifiers: Orphanet 167848, MedGen C0878544, MONDO:0004994, HP:0001638. Inheritance: Various modes of inheritance.
Arrhythmogenic right ventricular cardiomyopathy (ARVD). Also called: Cardiomyopathy, ARVC; Arrhythmogenic right ventricular dysplasia; Arrhythmogenic Right Ventricular Cardiomyopathy (ARVC); Arrhythmogenic cardiomyopathy. Identifiers: Orphanet 247, MedGen C0349788, MeSH D019571, MONDO:0016587. Disease mechanism: loss of function. Inheritance: Various modes of inheritance.
Arrhythmogenic right ventricular dysplasia 9 (ARVD9). Also called: Arrhythmogenic Right Ventricular Dysplasia/Cardiomyopathy 9; ARRHYTHMOGENIC RIGHT VENTRICULAR DYSPLASIA, FAMILIAL, 9. Identifiers: MedGen C1836906, MONDO:0012180, OMIM 609040.

Allele frequency attached by ClinVar (database versions not stated): gnomAD 0.00005 and 0.00006; ExAC 0.00006; TOPMed 0.00009; ESP Exome Variant Server 0.00015.
gnomAD v4.1: 64 of 1,613,980 alleles (0.004%); highest among the groups gnomAD compares: Middle Eastern, 0.066%; no homozygotes.

Submissions (8):

GeneDx
Classification: Uncertain significance. Last evaluated: 2026-08-10. Review status: criteria provided, single submitter. Criteria: GeneDx Variant Classification Process June 2021. Collection method: clinical testing. Allele origin: germline.
Comment: In silico analysis suggests that this missense variant does not alter protein structure/function; This variant is associated with the following publications: (PMID: 32553227)

PreventionGenetics, part of Exact Sciences
Classification: Uncertain significance for PKP2-related condition. Last evaluated: 2026-06-29. Review status: criteria provided, single submitter. Criteria: ACMG Guidelines, 2015. Collection method: clinical testing. Allele origin: germline.
Comment: The PKP2 c.2464A>G variant is predicted to result in the amino acid substitution p.Ile822Val. To our knowledge, this variant has not been reported in the literature. This variant is reported in 0.0054% of alleles in individuals of European (Non-Finnish) descent in gnomAD. At this time, the clinical significance of this variant is uncertain due to the absence of conclusive functional and genetic evidence.

Labcorp Genetics (formerly Invitae), Labcorp
Classification: Uncertain significance for Arrhythmogenic right ventricular dysplasia 9. Last evaluated: 2025-07-02. Review status: criteria provided, single submitter. Criteria: Invitae Variant Classification Sherloc (09022015). Collection method: clinical testing. Allele origin: germline.
Comment: This sequence change replaces isoleucine, which is neutral and non-polar, with valine, which is neutral and non-polar, at codon 822 of the PKP2 protein (p.Ile822Val). This variant is present in population databases (rs145324631, gnomAD 0.006%). This missense change has been observed in individual(s) with catecholaminergic polymorphic ventricular tachycardia (PMID: 32553227). ClinVar contains an entry for this variant (Variation ID: 188664). An algorithm developed to predict the effect of missense changes on protein structure and function outputs the following: PolyPhen-2: "Benign". The valine amino acid residue is found in multiple mammalian species, which suggests that this missense change does not adversely affect protein function. In summary, the available evidence is currently insufficient to determine the role of this variant in disease. Therefore, it has been classified as a Variant of Uncertain Significance.

Color Diagnostics, LLC DBA Color Health
Classification: Uncertain significance for Cardiomyopathy. Last evaluated: 2025-05-13. Review status: criteria provided, single submitter. Criteria: ACMG Guidelines, 2015. Collection method: clinical testing. Allele origin: germline.
Comment: This missense variant replaces isoleucine with valine at codon 822 of the PKP2 protein. Computational prediction suggests that this variant may not impact protein structure and function. To our knowledge, functional studies have not been reported for this variant. This variant has been reported in an individual affected with catecholaminergic polymorphic ventricular tachycardia (PMID: 32553227). This variant has been identified in 11/282834 chromosomes in the general population by the Genome Aggregation Database (gnomAD). The available evidence is insufficient to determine the role of this variant in disease conclusively. Therefore, this variant is classified as a Variant of Uncertain Significance.

Blueprint Genetics
Classification: Uncertain significance. Last evaluated: 2024-11-04. Review status: criteria provided, single submitter. Criteria: ACMG Guidelines, 2015. Collection method: clinical testing. Allele origin: germline.

Ambry Genetics
Classification: Uncertain significance for Cardiovascular phenotype. Last evaluated: 2024-09-27. Review status: criteria provided, single submitter. Criteria: Ambry Variant Classification Scheme 2023. Collection method: clinical testing. Allele origin: germline.

All of Us Research Program, National Institutes of Health
Classification: Uncertain significance for Arrhythmogenic right ventricular cardiomyopathy. Last evaluated: 2023-12-01. Review status: criteria provided, single submitter. Criteria: ACMG Guidelines, 2015. Collection method: clinical testing. Allele origin: germline. Inheritance: Autosomal dominant inheritance. Observed: 14 variant alleles, 14 heterozygotes.
Comment: This missense variant replaces isoleucine with valine at codon 822 of the PKP2 protein. Computational prediction suggests that this variant may not impact protein structure and function (internally defined REVEL score threshold <= 0.5, PMID: 27666373). To our knowledge, functional studies have not been reported for this variant. This variant has been reported in an individual affected with catecholaminergic polymorphic ventricular tachycardia (PMID: 32553227). This variant has been identified in 11/282834 chromosomes in the general population by the Genome Aggregation Database (gnomAD). The available evidence is insufficient to determine the role of this variant in disease conclusively. Therefore, this variant is classified as a Variant of Uncertain Significance.

This study involves interpretation of variants in research participants for the purpose of population health screening. Participant phenotype was not available at the time of variant classification. Additional details can be found in publication PMID: 35346344, PMCID: PMC8962531

Illumina Laboratory Services, Illumina
Classification: Uncertain significance for Arrhythmogenic right ventricular dysplasia 9. Last evaluated: 2018-01-13. Review status: criteria provided, single submitter. Criteria: ICSL Variant Classification Criteria 13 December 2019. Collection method: clinical testing. Allele origin: germline.

Literature cited by the submitters: PubMed 32553227 (cited by 3 submitters).